The following is an entry in ClinVar:

NM_058216.3(RAD51C):c.479C>A (p.Thr160Lys)

Gene: RAD51C (RAD51 paralog C; plus strand). Cytogenetic location: 17q22.
Variant type: single nucleotide variant.
Coding change: c.479C>A on transcript NM_058216.3 (MANE Select); coding-DNA position 479, C replaced by A.
Protein change: p.Thr160Lys; replaces threonine 160 with lysine.
Molecular consequence: missense variant.
Genome position (GRCh38, 1-based): chr17:58,696,767, C>A. VCF-style: chr17-58696767-C-A. GRCh37 (hg19) VCF-style: chr17-56774128-C-A.
Other names: short protein forms T160K.
Identifiers: ClinVar variation 1743152 (VCV001743152.3), dbSNP rs1598460398, ClinGen allele CA400344726.
Genomic context (GRCh38, chr17:58,696,767, plus strand): 5'-TAGATGTGCAGATACCAGAATGTTTTGGAGGAGTGGCAGGTGAAGCAGTTTTTATTGATA[C>A]AGAGGGAAGTTTTATGGTTGATAGAGTGGTAGACCTTGCTACTGCCTGCATTCAGCACCT-3'
Protein context (NP_478123.1, residues 150-170): GVAGEAVFID[Thr160Lys]EGSFMVDRVV

ClinVar aggregate classification (germline): Uncertain significance. Review status: criteria provided, multiple submitters, no conflicts (2 of 4 stars). 2 submissions from 2 submitters: Uncertain significance (2). Last evaluated 2024-04-12.

Conditions:
Breast-ovarian cancer, familial, susceptibility to, 3. Also called: RAD51C-Related Breast/Ovarian Cancer. Identifiers: Orphanet 145, MedGen C3150659, MONDO:0013253, OMIM 613399.
Fanconi anemia complementation group O. Also called: RAD51C-Related Fanconi Anemia. Identifiers: Orphanet 84, MedGen C3150653, MONDO:0013248, OMIM 613390.
Hereditary cancer-predisposing syndrome. Also called: Neoplastic Syndromes, Hereditary; Tumor predisposition; Hereditary Cancer Syndrome; Hereditary neoplastic syndrome. Identifiers: Orphanet 140162, MedGen C0027672, MeSH D009386, MONDO:0015356.

Allele frequency attached by ClinVar (database versions not stated): gnomAD exomes below 0.00001.
gnomAD v4.1: 1 of 1,614,124 alleles (0.000062%); highest among the groups gnomAD compares: African/African-American, 0.0013%; no homozygotes.

Submissions (2):

Fulgent Genetics
Classification: Uncertain significance for Fanconi anemia complementation group O; Breast-ovarian cancer, familial, susceptibility to, 3. Last evaluated: 2024-04-12. Review status: criteria provided, single submitter. Criteria: ACMG Guidelines, 2015. Collection method: clinical testing. Allele origin: germline.

Ambry Genetics
Classification: Uncertain significance for Hereditary cancer-predisposing syndrome. Last evaluated: 2022-04-02. Review status: criteria provided, single submitter. Criteria: Ambry Variant Classification Scheme 2023. Collection method: clinical testing. Allele origin: germline.
Comment: The p.T160K variant (also known as c.479C>A), located in coding exon 3 of the RAD51C gene, results from a C to A substitution at nucleotide position 479. The threonine at codon 160 is replaced by lysine, an amino acid with similar properties. This amino acid position is conserved. In addition, this alteration is predicted to be deleterious by in silico analysis. Since supporting evidence is limited at this time, the clinical significance of this alteration remains unclear.